The following is an entry in ClinVar:

ClinVar aggregate classification (germline): Uncertain significance (1 of 4 stars; one submission).

Conditions:
Hereditary cancer-predisposing syndrome. Also called: Neoplastic Syndromes, Hereditary; Tumor predisposition; Hereditary neoplastic syndrome; Hereditary Cancer Syndrome. Identifiers: Orphanet 140162, MedGen C0027672, MeSH D009386, MONDO:0015356.

Submission:

Ambry Genetics
Classification: Uncertain significance for Hereditary cancer-predisposing syndrome. Last evaluated: 2026-07-06. Review status: criteria provided, single submitter. Criteria: Ambry Variant Classification Scheme 2023. Collection method: clinical testing. Allele origin: germline.
Comment: The p.R283L variant (also known as c.848G>T), located in coding exon 8 of the APC gene, results from a G to T substitution at nucleotide position 848. The arginine at codon 283 is replaced by leucine, an amino acid with dissimilar properties. This amino acid position is conserved. In addition, in silico predictors for this gene do not accurately predict pathogenicity. Based on the available evidence, the clinical significance of this variant remains unclear.

NM_000038.6(APC):c.848G>T (p.Arg283Leu)

Gene: APC (APC regulator of Wnt signaling pathway; plus strand). Cytogenetic location: 5q22.2.
Variant type: single nucleotide variant.
Coding change: c.848G>T on transcript NM_000038.6 (MANE Select); coding-DNA position 848, G replaced by T.
Protein change: p.Arg283Leu; replaces arginine 283 with leucine.
Molecular consequence: missense variant. On other transcripts: 5 prime UTR variant (4), non-coding transcript variant (2).
Genome position (GRCh38, 1-based): chr5:112,815,508, G>T. VCF-style: chr5-112815508-G-T. GRCh37 (hg19) VCF-style: chr5-112151205-G-T.
Other names: c.848G>T, p.Arg283Leu (NM_001407449.1, NM_001407450.1, NM_001407454.1 and 12 more transcripts); c.773G>T, p.Arg258Leu (NM_001407451.1, NM_001354898.2, NM_001354904.2); c.764G>T, p.Arg255Leu (NM_001407452.1, NM_001407467.1, NM_001407469.1 and 1 more transcripts); c.671G>T, p.Arg224Leu (NM_001407453.1, NM_001354900.2, NM_001354901.2 and 1 more transcripts); c.-2G>T (NM_001407470.1, NM_001407471.1, NM_001407472.1 and 1 more transcripts); c.794G>T, p.Arg265Leu (NM_001127511.3); c.878G>T, p.Arg293Leu (NM_001354897.2, NM_001354902.2, NM_001407446.1); short protein forms R224L, R255L, R265L, R293L, R283L, R258L.
Identifiers: ClinVar variation 5024979 (VCV005024979.1).